The following is an entry in ClinVar:

NM_016252.4(BIRC6):c.13918C>T (p.Pro4640Ser)

Gene: BIRC6 (baculoviral IAP repeat containing 6; plus strand). Cytogenetic location: 2p22.3.
Variant type: single nucleotide variant.
Coding change: c.13918C>T on transcript NM_016252.4 (MANE Select); coding-DNA position 13918, C replaced by T.
Protein change: p.Pro4640Ser; replaces proline 4640 with serine.
Molecular consequence: missense variant.
Genome position (GRCh38, 1-based): chr2:32,599,826, C>T. VCF-style: chr2-32599826-C-T. GRCh37 (hg19) VCF-style: chr2-32824893-C-T.
Other names: c.13915C>T, p.Pro4639Ser (NM_001378125.1); short protein forms P4639S, P4640S.
Identifiers: ClinVar variation 3061431 (VCV003061431.2), dbSNP rs1397390801, ClinGen allele CA346534232.
Genomic context (GRCh38, chr2:32,599,826, plus strand): 5'-CCTTATGCAAATGGCTGCTTTGAGTTTGATGTGTATTTTCCTCAAGATTATCCCAGTTCA[C>T]CCCCTCTTGTGAATCTAGAGACAACTGGTGGTCATAGCGTGCGATTCAATCCAAACCTTT-3'
Protein context (NP_057336.3, residues 4630-4650): VYFPQDYPSS[Pro4640Ser]PLVNLETTGG

ClinVar aggregate classification (germline): Uncertain significance (0 of 4 stars; one submission).

Conditions:
BIRC6-related disorder. Also called: BIRC6-related condition.

Submission:

PreventionGenetics, part of Exact Sciences
Classification: Uncertain significance for BIRC6-related condition. Last evaluated: 2024-02-21. Review status: no assertion criteria provided. Collection method: clinical testing. Allele origin: germline.
Comment: The BIRC6 c.13918C>T variant is predicted to result in the amino acid substitution p.Pro4640Ser. To our knowledge, this variant has not been reported in the literature or in a large population database, indicating this variant is rare. At this time, the clinical significance of this variant is uncertain due to the absence of conclusive functional and genetic evidence.